The following is an entry in ClinVar:

ClinVar aggregate classification (germline): Likely benign (0 of 4 stars; one submission).

Conditions:
PCNT-related disorder. Also called: PCNT-related condition.

Submission:

PreventionGenetics, part of Exact Sciences
Classification: Likely benign for PCNT-related condition. Last evaluated: 2021-05-20. Review status: no assertion criteria provided. Collection method: clinical testing. Allele origin: germline.
Comment: This variant is classified as likely benign based on ACMG/AMP sequence variant interpretation guidelines (Richards et al. 2015 PMID: 25741868, with internal and published modifications).

NM_006031.6(PCNT):c.795A>G (p.Thr265=)

Gene: PCNT (pericentrin; plus strand). Cytogenetic location: 21q22.3.
Variant type: single nucleotide variant.
Coding change: c.795A>G on transcript NM_006031.6 (MANE Select); coding-DNA position 795, A replaced by G.
Protein change: p.Thr265=; no amino-acid change (threonine 265 retained).
Molecular consequence: synonymous variant.
Genome position (GRCh38, 1-based): chr21:46,346,817, A>G. VCF-style: chr21-46346817-A-G. GRCh37 (hg19) VCF-style: chr21-47766731-A-G.
Other names: c.441A>G, p.Thr147= (NM_001315529.2).
Identifiers: ClinVar variation 3357647 (VCV003357647.1).